The following is an entry in ClinVar:

ClinVar aggregate classification (germline): Benign. Review status: criteria provided, multiple submitters, no conflicts (2 of 4 stars). 13 submissions from 12 submitters: Benign (10). 3 of the submissions do not count toward it. Last evaluated 2026-02-04.

Conditions:
Autosomal recessive nonsyndromic hearing loss 18A. Also called: DEAFNESS, AUTOSOMAL RECESSIVE 18; Deafness, autosomal recessive 18A. Identifiers: Orphanet 90636, MedGen C1865870, MONDO:0011192, OMIM 602092.
Usher syndrome type 1C. Also called: USHER SYNDROME, TYPE I, ACADIAN VARIETY. Identifiers: Orphanet 231169, Orphanet 886, MedGen C1848604, MONDO:0010171, OMIM 276904.

Allele frequency attached by ClinVar (database versions not stated): 1000 Genomes Project 30x 0.41943; 1000 Genomes Project 0.42093; TOPMed 0.47660; gnomAD 0.48497; ExAC 0.48747; ESP Exome Variant Server 0.51509.
gnomAD v4.1: 846,958 of 1,613,664 alleles (52%); highest among the groups gnomAD compares: Non-Finnish European, 55%; 225,739 homozygotes.

Submissions (13):

Labcorp Genetics (formerly Invitae), Labcorp
Classification: Benign. Last evaluated: 2026-02-04. Review status: criteria provided, single submitter. Criteria: Invitae Variant Classification Sherloc (09022015). Collection method: clinical testing. Allele origin: germline.

Genome-Nilou Lab
Classification: Benign for Usher syndrome type 1C. Last evaluated: 2021-07-10. Review status: criteria provided, single submitter. Criteria: ACMG Guidelines, 2015. Collection method: clinical testing. Allele origin: germline. Affected: no.

Genome-Nilou Lab
Classification: Benign for Autosomal recessive nonsyndromic hearing loss 18A. Last evaluated: 2021-07-10. Review status: criteria provided, single submitter. Criteria: ACMG Guidelines, 2015. Collection method: clinical testing. Allele origin: germline. Affected: no.

Mayo Clinic Laboratories, Mayo Clinic
Classification: Benign. Last evaluated: 2020-07-02. Review status: criteria provided, single submitter. Criteria: ACMG Guidelines, 2015. Collection method: clinical testing. Allele origin: germline. Observed: 169 variant alleles.

Mendelics
Classification: Benign for Usher syndrome type 1C. Last evaluated: 2019-05-28. Review status: criteria provided, single submitter. Criteria: Mendelics Assertion Criteria 2017. Collection method: clinical testing. Allele origin: unknown.

Illumina Laboratory Services, Illumina
Classification: Benign for Usher syndrome type 1C. Last evaluated: 2018-01-12. Review status: criteria provided, single submitter. Criteria: ICSL Variant Classification Criteria 13 December 2019. Collection method: clinical testing. Allele origin: germline.
Comment: This variant was observed in the ICSL laboratory as part of a predisposition screen in an ostensibly healthy population. It had not been previously curated by ICSL or reported in the Human Gene Mutation Database (HGMD: prior to June 1st, 2018), and was therefore a candidate for classification through an automated scoring system. Utilizing variant allele frequency, disease prevalence and penetrance estimates, and inheritance mode, an automated score was calculated to assess if this variant is too frequent to cause the disease. Based on the score and internal cut-off values, a variant classified as benign is not then subjected to further curation. The score for this variant resulted in a classification of benign for this disease.

GeneDx
Classification: Benign. Last evaluated: 2015-03-03. Review status: criteria provided, single submitter. Criteria: GeneDx Variant Classification Process June 2021. Collection method: clinical testing. Allele origin: germline. Affected: yes.

Laboratory for Molecular Medicine, Mass General Brigham Personalized Medicine
Classification: Benign. Last evaluated: 2009-06-24. Review status: criteria provided, single submitter. Criteria: LMM Criteria. Collection method: clinical testing. Allele origin: germline. Observed: 1,593 variant alleles.

Breakthrough Genomics
Classification: Benign. Review status: criteria provided, single submitter. Criteria: ACMG Guidelines, 2015. Collection method: not provided. Allele origin: germline. Inheritance: Autosomal recessive inheritance. Affected: yes.

PreventionGenetics, part of Exact Sciences
Classification: Benign. Review status: criteria provided, single submitter. Criteria: ACMG Guidelines, 2015. Collection method: clinical testing. Allele origin: germline.

Natera, Inc.
Classification: Benign for Usher syndrome type 1C. Last evaluated: 2020-09-16. Review status: no assertion criteria provided. Collection method: clinical testing. Allele origin: germline. Not counted in ClinVar's aggregate classification.

Diagnostic Laboratory, Department of Genetics, University Medical Center Groningen
Classification: Benign. Review status: no assertion criteria provided. Collection method: clinical testing. Allele origin: germline. Affected: yes. Study: VKGL Data-share Consensus. Not counted in ClinVar's aggregate classification.

Joint Genome Diagnostic Labs from Nijmegen and Maastricht, Radboudumc and MUMC+
Classification: Benign. Review status: no assertion criteria provided. Collection method: clinical testing. Allele origin: germline. Affected: yes. Study: VKGL Data-share Consensus. Not counted in ClinVar's aggregate classification.

NM_153676.4(USH1C):c.2457G>C (p.Glu819Asp)

Gene: USH1C (USH1 protein network component harmonin; minus strand). Cytogenetic location: 11p15.1.
Variant type: single nucleotide variant.
Coding change: c.2457G>C on transcript NM_153676.4 (MANE Select); coding-DNA position 2457, G replaced by C.
Protein change: p.Glu819Asp; replaces glutamic acid 819 with aspartic acid.
Molecular consequence: missense variant. On other transcripts: non-coding transcript variant (1).
Genome position (GRCh38, 1-based): chr11:17,498,195, C>G on the plus strand (G>C on the coding strand, the complement: USH1C is on the minus strand). VCF-style: chr11-17498195-C-G. GRCh37 (hg19) VCF-style: chr11-17519742-C-G.
Other names: c.1500G>C, p.Glu500Asp (NM_001297764.2); c.1557G>C, p.Glu519Asp (NM_005709.4); short protein forms E519D, E819D, E500D.
Identifiers: ClinVar variation 48003 (VCV000048003.32), dbSNP rs1064074, ClinGen allele CA142347.
Genomic context (GRCh38, chr11:17,498,195, plus strand): 5'-GAAAGGAGGGAGGGGCCTTATTCTTACCCCGCCCTGATTCCAGGCCTTCTGCAGGGCAGC[C>G]TCAGCCTCAGCCAGGGTGTAGTCTGTCACAATCTTGCCGTTGATTGCCATGATCTCGTCC-3'
Protein context (NP_710142.1, residues 809-829): IVTDYTLAEA[Glu819Asp]AALQKAWNQG